The following is an entry in ClinVar:

NM_002055.5(GFAP):c.1156A>C (p.Asn386His)

Gene: GFAP (glial fibrillary acidic protein; minus strand). Cytogenetic location: 17q21.31.
Variant type: single nucleotide variant.
Coding change: c.1156A>C on transcript NM_002055.5 (MANE Select); coding-DNA position 1156, A replaced by C.
Protein change: p.Asn386His; replaces asparagine 386 with histidine.
Molecular consequence: missense variant.
Genome position (GRCh38, 1-based): chr17:44,910,630, T>G on the plus strand (A>C on the coding strand, the complement: GFAP is on the minus strand). VCF-style: chr17-44910630-T-G. GRCh37 (hg19) VCF-style: chr17-42987998-T-G.
Other names: c.1156A>C, p.Asn386His (NM_001131019.3, NM_001242376.3, NM_001363846.2); short protein forms N386H.
Identifiers: ClinVar variation 2092317 (VCV002092317.4), dbSNP rs1446658440, ClinGen allele CA399842243.

ClinVar aggregate classification (germline): Uncertain significance (1 of 4 stars; one submission).

Submission:

Labcorp Genetics (formerly Invitae), Labcorp
Classification: Uncertain significance. Last evaluated: 2022-02-03. Review status: criteria provided, single submitter. Criteria: Invitae Variant Classification Sherloc (09022015). Collection method: clinical testing. Allele origin: germline.
Comment: In summary, the available evidence is currently insufficient to determine the role of this variant in disease. Therefore, it has been classified as a Variant of Uncertain Significance. This variant disrupts the p.Asn386 amino acid residue in GFAP. Other variant(s) that disrupt this residue have been determined to be pathogenic (PMID: 16996408, 21756903). This suggests that this residue is clinically significant, and that variants that disrupt this residue are likely to be disease-causing. Algorithms developed to predict the effect of missense changes on protein structure and function are either unavailable or do not agree on the potential impact of this missense change (SIFT: "Deleterious"; PolyPhen-2: "Probably Damaging"; Align-GVGD: "Class C0"). This variant has not been reported in the literature in individuals affected with GFAP-related conditions. This variant is not present in population databases (gnomAD no frequency). This sequence change replaces asparagine, which is neutral and polar, with histidine, which is basic and polar, at codon 386 of the GFAP protein (p.Asn386His).

Literature cited by the submitters: PubMed 16996408; PubMed 21756903.